The following is an entry in ClinVar:

ClinVar aggregate classification (germline): Uncertain significance (1 of 4 stars; one submission).

Conditions:
COG5-congenital disorder of glycosylation. Also called: COG5-CDG; CDG IIi; CONGENITAL DISORDER OF GLYCOSYLATION, TYPE IIi. Identifiers: Orphanet 263487, MedGen C3150876, MONDO:0013325, OMIM 613612.

Allele frequency attached by ClinVar (database versions not stated): gnomAD exomes below 0.00001 and 0.00002; gnomAD 0.00001; TOPMed 0.00002.
gnomAD v4.1: 31 of 1,613,424 alleles (0.0019%); highest among the groups gnomAD compares: Non-Finnish European, 0.0025%; no homozygotes.

Submission:

Labcorp Genetics (formerly Invitae), Labcorp
Classification: Uncertain significance for COG5-congenital disorder of glycosylation. Last evaluated: 2022-08-15. Review status: criteria provided, single submitter. Criteria: Invitae Variant Classification Sherloc (09022015). Collection method: clinical testing. Allele origin: germline.
Comment: This sequence change replaces serine, which is neutral and polar, with cysteine, which is neutral and slightly polar, at codon 304 of the COG5 protein (p.Ser304Cys). The frequency data for this variant in the population databases is considered unreliable, as metrics indicate poor data quality at this position in the gnomAD database. This variant has not been reported in the literature in individuals affected with COG5-related conditions. ClinVar contains an entry for this variant (Variation ID: 1432116). Algorithms developed to predict the effect of missense changes on protein structure and function are either unavailable or do not agree on the potential impact of this missense change (SIFT: "Deleterious"; PolyPhen-2: "Possibly Damaging"; Align-GVGD: "Class C0"). In summary, the available evidence is currently insufficient to determine the role of this variant in disease. Therefore, it has been classified as a Variant of Uncertain Significance.

NM_006348.5(COG5):c.818C>G (p.Ser273Cys)

Gene: COG5 (component of oligomeric golgi complex 5; minus strand). Cytogenetic location: 7q22.3.
Variant type: single nucleotide variant.
Coding change: c.818C>G on transcript NM_006348.5 (MANE Select); coding-DNA position 818, C replaced by G.
Protein change: p.Ser273Cys; replaces serine 273 with cysteine.
Molecular consequence: missense variant. On other transcripts: intron variant (2).
Genome position (GRCh38, 1-based): chr7:107,372,612, G>C on the plus strand (C>G on the coding strand, the complement: COG5 is on the minus strand). VCF-style: chr7-107372612-G-C. GRCh37 (hg19) VCF-style: chr7-107013057-G-C.
Other names: c.818C>G, p.Ser273Cys (NM_001161520.2, NM_001379511.1, NM_001379512.1 and 3 more transcripts); c.235-10502C>G (NM_001379516.1); c.539-74266C>G (NM_001379515.1); short protein forms S273C.
Identifiers: ClinVar variation 1432116 (VCV001432116.5), dbSNP rs1202800081, ClinGen allele CA368940607.